The following is an entry in ClinVar:

ClinVar aggregate classification (germline): Uncertain significance (1 of 4 stars; one submission).

Conditions:
Very long chain acyl-CoA dehydrogenase deficiency (ACADVLD). Also called: Very Long-Chain Acyl-Coenzyme A Dehydrogenase Deficiency; VLCAD Deficiency. Identifiers: Orphanet 26793, MedGen C3887523, MONDO:0008723, OMIM 201475.

Submission:

Labcorp Genetics (formerly Invitae), Labcorp
Classification: Uncertain significance for Very long chain acyl-CoA dehydrogenase deficiency. Last evaluated: 2017-08-17. Review status: criteria provided, single submitter. Criteria: Invitae Variant Classification Sherloc (09022015). Collection method: clinical testing. Allele origin: germline.
Comment: This sequence change replaces glycine with arginine at codon 253 of the ACADVL protein (p.Gly253Arg). The glycine residue is highly conserved and there is a moderate physicochemical difference between glycine and arginine. This variant is not present in population databases (ExAC no frequency). This variant has not been reported in the literature in individuals with ACADVL-related disease. Algorithms developed to predict the effect of missense changes on protein structure and function (SIFT, PolyPhen-2, Align-GVGD) all suggest that this variant is likely to be disruptive, but these predictions have not been confirmed by published functional studies and their clinical significance is uncertain. In summary, the available evidence is currently insufficient to determine the role of this variant in disease. Therefore, it has been classified as a Variant of Uncertain Significance.

NM_000018.4(ACADVL):c.757G>A (p.Gly253Arg)

Gene: ACADVL (acyl-CoA dehydrogenase very long chain; plus strand). Cytogenetic location: 17p13.1.
Variant type: single nucleotide variant.
Coding change: c.757G>A on transcript NM_000018.4 (MANE Select); coding-DNA position 757, G replaced by A.
Protein change: p.Gly253Arg; replaces glycine 253 with arginine.
Molecular consequence: missense variant.
Genome position (GRCh38, 1-based): chr17:7,222,181, G>A. VCF-style: chr17-7222181-G-A. GRCh37 (hg19) VCF-style: chr17-7125500-G-A.
Other names: c.691G>A, p.Gly231Arg (NM_001033859.3); c.826G>A, p.Gly276Arg (NM_001270447.2); c.529G>A, p.Gly177Arg (NM_001270448.2); short protein forms G253R, G177R, G231R, G276R.
Identifiers: ClinVar variation 541712 (VCV000541712.1), dbSNP rs1555528345, ClinGen allele CA397723626.